The following is an entry in ClinVar:

NM_004714.3(DYRK1B):c.1812G>A (p.Pro604=)

Gene: DYRK1B (dual specificity tyrosine phosphorylation regulated kinase 1B; minus strand). Cytogenetic location: 19q13.2.
Variant type: single nucleotide variant.
Coding change: c.1812G>A on transcript NM_004714.3 (MANE Select); coding-DNA position 1812, G replaced by A.
Protein change: p.Pro604=; no amino-acid change (proline 604 retained).
Molecular consequence: synonymous variant.
Genome position (GRCh38, 1-based): chr19:39,825,793, C>T on the plus strand (G>A on the coding strand, the complement: DYRK1B is on the minus strand). VCF-style: chr19-39825793-C-T. GRCh37 (hg19) VCF-style: chr19-40316433-C-T.
Other names: c.1692G>A, p.Pro564= (NM_006483.3); c.1728G>A, p.Pro576= (NM_006484.3).
Identifiers: ClinVar variation 3352545 (VCV003352545.1).

ClinVar aggregate classification (germline): Likely benign (0 of 4 stars; one submission).

Conditions:
DYRK1B-related disorder. Also called: DYRK1B-related condition.

Submission:

PreventionGenetics, part of Exact Sciences
Classification: Likely benign for DYRK1B-related condition. Last evaluated: 2023-01-12. Review status: no assertion criteria provided. Collection method: clinical testing. Allele origin: germline.
Comment: This variant is classified as likely benign based on ACMG/AMP sequence variant interpretation guidelines (Richards et al. 2015 PMID: 25741868, with internal and published modifications).